The following is an entry in ClinVar:

ClinVar aggregate classification (germline): Uncertain significance (1 of 4 stars; one submission).

gnomAD v4.1: 3 of 1,614,116 alleles (0.00019%); highest among the groups gnomAD compares: South Asian, 0.0011%; no homozygotes.

Submission:

Ambry Genetics
Classification: Uncertain significance. Last evaluated: 2025-03-22. Review status: criteria provided, single submitter. Criteria: Ambry Variant Classification Scheme 2023. Collection method: clinical testing. Allele origin: germline.
Comment: The p.V764F variant (also known as c.2290G>T), located in coding exon 1 of the MLH3 gene, results from a G to T substitution at nucleotide position 2290. The valine at codon 764 is replaced by phenylalanine, an amino acid with highly similar properties. This amino acid position is conserved. In addition, this alteration is predicted to be tolerated by in silico analysis. Since supporting evidence is limited at this time, the clinical significance of this alteration remains unclear.

NM_001040108.2(MLH3):c.2290G>T (p.Val764Phe)

Gene: MLH3 (mutL homolog 3; minus strand). Cytogenetic location: 14q24.3.
Variant type: single nucleotide variant.
Coding change: c.2290G>T on transcript NM_001040108.2 (MANE Select); coding-DNA position 2290, G replaced by T.
Protein change: p.Val764Phe; replaces valine 764 with phenylalanine.
Molecular consequence: missense variant.
Genome position (GRCh38, 1-based): chr14:75,047,366, C>A on the plus strand (G>T on the coding strand, the complement: MLH3 is on the minus strand). VCF-style: chr14-75047366-C-A. GRCh37 (hg19) VCF-style: chr14-75514069-C-A.
Other names: c.2290G>T, p.Val764Phe (NM_014381.3); short protein forms V764F.
Identifiers: ClinVar variation 1789109 (VCV001789109.3), dbSNP rs550905066, ClinGen allele CA390441023.